The following is an entry in ClinVar:

ClinVar aggregate classification (germline): Likely benign. Review status: criteria provided, multiple submitters, no conflicts (2 of 4 stars). 5 submissions from 5 submitters: Likely benign (5). Last evaluated 2024-12-27.

Conditions:
Spermatogenic failure 28. Identifiers: MedGen C4748117, MONDO:0054732, OMIM 618086.
Premature ovarian failure 15. Identifiers: MedGen C4748170, MONDO:0054862, OMIM 618096.
Inborn genetic diseases. Identifiers: MedGen C0950123, MeSH D030342.
Fanconi anemia (FA). Also called: Fanconi's anemia. Identifiers: Orphanet 84, MedGen C0015625, MeSH D005199, MONDO:0019391.

Allele frequency attached by ClinVar (database versions not stated): gnomAD 0.00001; gnomAD exomes 0.00001 and 0.00003; TOPMed 0.00002; ExAC 0.00003; ESP Exome Variant Server 0.00008.
gnomAD v4.1: 15 of 1,608,910 alleles (0.00093%); highest among the groups gnomAD compares: Middle Eastern, 0.017%; no homozygotes.

Submissions (5):

Ambry Genetics
Classification: Likely benign for Inborn genetic diseases. Last evaluated: 2024-12-27. Review status: criteria provided, single submitter. Criteria: Ambry Variant Classification Scheme 2023. Collection method: clinical testing. Allele origin: germline.

Labcorp Genetics (formerly Invitae), Labcorp
Classification: Likely benign for Fanconi anemia. Last evaluated: 2024-05-15. Review status: criteria provided, single submitter. Criteria: Invitae Variant Classification Sherloc (09022015). Collection method: clinical testing. Allele origin: germline.

CeGaT Center for Human Genetics Tuebingen
Classification: Likely benign. Last evaluated: 2023-11-01. Review status: criteria provided, single submitter. Criteria: CeGaT Center For Human Genetics Tuebingen Variant Classification Criteria Version 2. Collection method: clinical testing. Allele origin: germline. Affected: yes. Observed: 1 variant allele.
Comment: FANCM: BP4, BP7

Blueprint Genetics
Classification: Likely benign. Last evaluated: 2022-06-14. Review status: criteria provided, single submitter. Criteria: ACMG Guidelines, 2015. Collection method: clinical testing. Allele origin: germline.

Fulgent Genetics
Classification: Likely benign for Spermatogenic failure 28; Premature ovarian failure 15. Last evaluated: 2021-07-20. Review status: criteria provided, single submitter. Criteria: ACMG Guidelines, 2015. Collection method: clinical testing. Allele origin: unknown.

NM_020937.4(FANCM):c.2721T>G (p.Ala907=)

Gene: FANCM (FA complementation group M; plus strand). Cytogenetic location: 14q21.2.
Variant type: single nucleotide variant.
Coding change: c.2721T>G on transcript NM_020937.4 (MANE Select); coding-DNA position 2721, T replaced by G.
Protein change: p.Ala907=; no amino-acid change (alanine 907 retained).
Molecular consequence: synonymous variant.
Genome position (GRCh38, 1-based): chr14:45,175,475, T>G. VCF-style: chr14-45175475-T-G. GRCh37 (hg19) VCF-style: chr14-45644678-T-G.
Other names: c.2643T>G, p.Ala881= (NM_001308133.2).
Identifiers: ClinVar variation 696841 (VCV000696841.36), dbSNP rs150172333, ClinGen allele CA7169396.
Genomic context (GRCh38, chr14:45,175,475, plus strand): 5'-AAATATTTTTCAAGAAGACCTACCAAATGATAAAAGGACATCAGATACAGATGAAATTGC[T>G]GCCACATGTACTATTAATGAAAATGTTATTAAAGAACCGTGTGTGTTATTAACAGAGTGT-3'
Protein context (NP_065988.1, residues 897-917): DKRTSDTDEI[Ala907=]ATCTINENVI